The following is an entry in ClinVar:

NM_006035.4(CDC42BPB):c.4342G>A (p.Val1448Met)

Gene: CDC42BPB (CDC42 binding protein kinase beta; minus strand). Cytogenetic location: 14q32.32.
Variant type: single nucleotide variant.
Coding change: c.4342G>A on transcript NM_006035.4 (MANE Select); coding-DNA position 4342, G replaced by A.
Protein change: p.Val1448Met; replaces valine 1448 with methionine.
Molecular consequence: missense variant.
Genome position (GRCh38, 1-based): chr14:102,943,957, C>T on the plus strand (G>A on the coding strand, the complement: CDC42BPB is on the minus strand). VCF-style: chr14-102943957-C-T. GRCh37 (hg19) VCF-style: chr14-103410294-C-T.
Other names: c.4264G>A, p.Val1422Met (NM_001411054.1); short protein forms V1422M, V1448M.
Identifiers: ClinVar variation 2571924 (VCV002571924.1), dbSNP rs1892022642, ClinGen allele CA391074542.

ClinVar aggregate classification (germline): Uncertain significance (1 of 4 stars; one submission).

Allele frequency attached by ClinVar (database versions not stated): gnomAD exomes below 0.00001.
gnomAD v4.1: 3 of 1,612,896 alleles (0.00019%); highest among the groups gnomAD compares: East Asian, 0.0022%; no homozygotes.

Submission:

GeneDx
Classification: Uncertain significance. Last evaluated: 2023-01-09. Review status: criteria provided, single submitter. Criteria: GeneDx Variant Classification Process June 2021. Collection method: clinical testing. Allele origin: germline. Affected: yes.
Comment: Not observed at significant frequency in large population cohorts (gnomAD); In silico analysis supports that this missense variant does not alter protein structure/function; Has not been previously published as pathogenic or benign to our knowledge